The following is an entry in ClinVar:

NC_000019.10:g.(?_1206914)_(1226647_?)del

Gene: STK11 (serine/threonine kinase 11; plus strand). Cytogenetic location: 19p13.3.
Variant type: Deletion.
Identifiers: ClinVar variation 831379 (VCV000831379.6).

ClinVar aggregate classification (germline): Pathogenic (1 of 4 stars; one submission).

Conditions:
Peutz-Jeghers syndrome (PJS). Also called: Peutz-Jeghers polyposis; Periorificial lentiginosis syndrome; POLYPOSIS, HAMARTOMATOUS INTESTINAL; POLYPS-AND-SPOTS SYNDROME. Identifiers: Orphanet 2869, MedGen C0031269, MeSH D010580, MONDO:0008280, OMIM 175200.

Submission:

Labcorp Genetics (formerly Invitae), Labcorp
Classification: Pathogenic for Peutz-Jeghers syndrome. Last evaluated: 2023-12-30. Review status: criteria provided, single submitter. Criteria: Invitae Variant Classification Sherloc (09022015). Collection method: clinical testing. Allele origin: germline.
Comment: A gross deletion of the genomic region encompassing the full coding sequence of the STK11 gene has been identified. Loss-of-function variants in STK11 are known to be pathogenic (PMID: 15188174, 16287113). The boundaries of this event are unknown as they extend beyond the assayed region for this gene and therefore may encompass additional genes. A similar copy number variant has been observed in individual(s) with Peutz‚ÄìJeghers syndrome (PMID: 14970844, 16287113, 16648371, 17924967, 20623358, 22382802, 23399955, 28303455; Invitae). It has also been observed to segregate with disease in related individuals. For these reasons, this variant has been classified as Pathogenic.

Literature cited by the submitters: PubMed 15188174; PubMed 16287113; PubMed 14970844; PubMed 16648371; PubMed 17924967; PubMed 20623358; PubMed 22382802; PubMed 23399955; PubMed 28303455.